The following is an entry in ClinVar:

ClinVar aggregate classification (germline): Pathogenic (1 of 4 stars; one submission).

Submission:

GeneDx
Classification: Pathogenic. Last evaluated: 2026-02-04. Review status: criteria provided, single submitter. Criteria: GeneDx Variant Classification Process June 2021. Collection method: clinical testing. Allele origin: germline. Affected: yes.
Comment: Reported in an individual with ichthyosis vulgaris; described as c.dupl9040_9058 (PMID: 21428977); Frameshift variant predicted to result in abnormal protein length as the last 1041 amino acids are replaced with three different amino acids, and other similar variants have been reported in HGMD; This variant is associated with the following publications: (PMID: 16444271, 24077912, 21428977)

NM_002016.2(FLG):c.9042_9060dup (p.Gly3021delinsSerGlyGlnTer)

Genes: CCDST (cervical cancer associated DHX9 suppressive transcript; plus strand), FLG (filaggrin; minus strand). Cytogenetic location: 1q21.3.
Variant type: Duplication.
Coding change: c.9042_9060dup on transcript NM_002016.2 (MANE Select); coding-DNA positions 9042 to 9060, 19 bases duplicated (TCAGGCCAGTGACAATGAG).
Protein change: p.Gly3021delinsSerGlyGlnTer.
Molecular consequence: nonsense. On other transcripts: frameshift variant (1).
Genome position (GRCh38, 1-based): chr1:152,305,826-152,305,844, CTCATTGTCACTGGCCTGA duplicated on the plus strand (TCAGGCCAGTGACAATGAG on the coding strand, the reverse complement: FLG is on the minus strand); duplicating any 19 consecutive bases within chr1:152,305,826-152,305,846 gives the same sequence; the c. name uses the placement nearest the transcript's 3' end. VCF-style (leftmost placement, unchanged base first): chr1-152305825-C-CCTCATTGTCACTGGCCTGA. GRCh37 (hg19) VCF-style: chr1-152278301-C-CCTCATTGTCACTGGCCTGA.
Other names: c.9042_9060dup (NM_002016.1).
Identifiers: ClinVar variation 2506823 (VCV002506823.3), dbSNP rs1439168205, ClinGen allele CA526662163.